The following is an entry in ClinVar:

ClinVar aggregate classification (germline): Uncertain significance (1 of 4 stars; one submission).

Submission:

Labcorp Genetics (formerly Invitae), Labcorp
Classification: Uncertain significance. Last evaluated: 2025-10-23. Review status: criteria provided, single submitter. Criteria: Invitae Variant Classification Sherloc (09022015). Collection method: clinical testing. Allele origin: germline.
Comment: This sequence change replaces serine, which is neutral and polar, with arginine, which is basic and polar, at codon 1306 of the POLA1 protein (p.Ser1306Arg). This variant is not present in population databases (gnomAD no frequency). This variant has not been reported in the literature in individuals affected with POLA1-related conditions. ClinVar contains an entry for this variant (Variation ID: 1715004). Invitae Evidence Modeling of protein sequence and biophysical properties (such as structural, functional, and spatial information, amino acid conservation, physicochemical variation, residue mobility, and thermodynamic stability) indicates that this missense variant is not expected to disrupt POLA1 protein function with a negative predictive value of 80%. In summary, the available evidence is currently insufficient to determine the role of this variant in disease. Therefore, it has been classified as a Variant of Uncertain Significance.

NM_001330360.2(POLA1):c.3936C>A (p.Ser1312Arg)

Gene: POLA1 (DNA polymerase alpha 1, catalytic subunit; plus strand). Cytogenetic location: Xp22.11.
Variant type: single nucleotide variant.
Coding change: c.3936C>A on transcript NM_001330360.2 (MANE Select); coding-DNA position 3936, C replaced by A.
Protein change: p.Ser1312Arg; replaces serine 1312 with arginine.
Molecular consequence: missense variant. On other transcripts: non-coding transcript variant (2).
Genome position (GRCh38, 1-based): chrX:24,843,566, C>A. VCF-style: chrX-24843566-C-A. GRCh37 (hg19) VCF-style: chrX-24861683-C-A.
Other names: c.3861C>A, p.Ser1287Arg (NM_001378303.1); c.3918C>A, p.Ser1306Arg (NM_016937.4); short protein forms S1287R, S1306R, S1312R.
Identifiers: ClinVar variation 1715004 (VCV001715004.5), dbSNP rs2518749154, ClinGen allele CA412608373.